The following is an entry in ClinVar:

ClinVar aggregate classification (germline): Uncertain significance. Review status: criteria provided, multiple submitters, no conflicts (2 of 4 stars). 2 submissions from 2 submitters: Uncertain significance (2). Last evaluated 2025-03-03.

Conditions:
Inborn genetic diseases. Identifiers: MedGen C0950123, MeSH D030342.

Allele frequency attached by ClinVar (database versions not stated): gnomAD exomes 0.00001 and 0.00002; gnomAD 0.00002 and 0.00003; TOPMed 0.00002; ExAC 0.00004; 1000 Genomes Project 30x 0.00016; 1000 Genomes Project 0.00020.
gnomAD v4.1: 19 of 1,608,480 alleles (0.0012%); highest among the groups gnomAD compares: Admixed American, 0.0067%; no homozygotes.

Submissions (2):

Ambry Genetics
Classification: Uncertain significance for Inborn genetic diseases. Last evaluated: 2025-03-03. Review status: criteria provided, single submitter. Criteria: Ambry Variant Classification Scheme 2023. Collection method: clinical testing. Allele origin: germline.

GeneDx
Classification: Uncertain significance. Last evaluated: 2024-10-30. Review status: criteria provided, single submitter. Criteria: GeneDx Variant Classification Process June 2021. Collection method: clinical testing. Allele origin: germline. Affected: yes.
Comment: Not observed at significant frequency in large population cohorts (gnomAD); In silico analysis supports that this missense variant has a deleterious effect on protein structure/function; Has not been previously published as pathogenic or benign to our knowledge

NM_012208.4(HARS2):c.385C>T (p.Arg129Cys)

Gene: HARS2 (histidyl-tRNA synthetase 2, mitochondrial; plus strand). Cytogenetic location: 5q31.3.
Variant type: single nucleotide variant.
Coding change: c.385C>T on transcript NM_012208.4 (MANE Select); coding-DNA position 385, C replaced by T.
Protein change: p.Arg129Cys; replaces arginine 129 with cysteine.
Molecular consequence: missense variant. On other transcripts: intron variant (1).
Genome position (GRCh38, 1-based): chr5:140,694,266, C>T. VCF-style: chr5-140694266-C-T. GRCh37 (hg19) VCF-style: chr5-140073851-C-T.
Other names: c.310C>T, p.Arg104Cys (NM_001278731.2); c.403C>T, p.Arg135Cys (NM_001363535.2); c.175C>T, p.Arg59Cys (NM_001363536.2); c.93+212C>T (NM_001278732.2); short protein forms R104C, R129C, R135C, R59C.
Identifiers: ClinVar variation 1306739 (VCV001306739.4), dbSNP rs533472697, ClinGen allele CA3444402.